The following is an entry in ClinVar:

ClinVar aggregate classification (germline): Uncertain significance (1 of 4 stars; one submission).

Conditions:
Inborn genetic diseases. Identifiers: MedGen C0950123, MeSH D030342.

Allele frequency attached by ClinVar (database versions not stated): gnomAD exomes below 0.00001; ExAC 0.00002.
gnomAD v4.1: 3 of 1,614,214 alleles (0.00019%); highest among the groups gnomAD compares: Admixed American, 0.0017%; no homozygotes.

Submission:

Ambry Genetics
Classification: Uncertain significance for Inborn genetic diseases. Last evaluated: 2025-11-25. Review status: criteria provided, single submitter. Criteria: Ambry Variant Classification Scheme 2023. Collection method: clinical testing. Allele origin: germline.
Comment: The p.V29A variant (also known as c.86T>C), located in coding exon 2 of the BUB1B gene, results from a T to C substitution at nucleotide position 86. The valine at codon 29 is replaced by alanine, an amino acid with similar properties. This amino acid position is conserved. In addition, this alteration is predicted to be tolerated by in silico analysis. Since supporting evidence is limited at this time, the clinical significance of this alteration remains unclear.

NM_001211.6(BUB1B):c.86T>C (p.Val29Ala)

Gene: BUB1B (BUB1 mitotic checkpoint serine/threonine kinase B; plus strand). Cytogenetic location: 15q15.1.
Variant type: single nucleotide variant.
Coding change: c.86T>C on transcript NM_001211.6 (MANE Select); coding-DNA position 86, T replaced by C.
Protein change: p.Val29Ala; replaces valine 29 with alanine.
Molecular consequence: missense variant.
Genome position (GRCh38, 1-based): chr15:40,165,103, T>C. VCF-style: chr15-40165103-T-C. GRCh37 (hg19) VCF-style: chr15-40457304-T-C.
Other names: short protein forms V29A.
Identifiers: ClinVar variation 2234321 (VCV002234321.3), dbSNP rs771937088, ClinGen allele CA7475349.